The following is an entry in ClinVar:

ClinVar aggregate classification (germline): Conflicting classifications of pathogenicity. Review status: criteria provided, conflicting classifications (1 of 4 stars). 2 submissions from 2 submitters: Uncertain significance (1); Likely benign (1). Last evaluated 2025-06-10.

Conditions:
Paroxysmal nonkinesigenic dyskinesia. Also called: Paroxysmal non-kinesigenic dyskinesia. Identifiers: Orphanet 98810, MedGen C1869117, MONDO:0700088.

Allele frequency attached by ClinVar (database versions not stated): gnomAD 0.00003; gnomAD exomes 0.00003 and 0.00006; TOPMed 0.00004; ExAC 0.00009; 1000 Genomes Project 30x 0.00016; 1000 Genomes Project 0.00020.
gnomAD v4.1: 53 of 1,613,928 alleles (0.0033%); highest among the groups gnomAD compares: Admixed American, 0.0067%; no homozygotes.

Submissions (2):

Labcorp Genetics (formerly Invitae), Labcorp
Classification: Uncertain significance for Paroxysmal nonkinesigenic dyskinesia. Last evaluated: 2025-06-10. Review status: criteria provided, single submitter. Criteria: Invitae Variant Classification Sherloc (09022015). Collection method: clinical testing. Allele origin: germline.
Comment: This sequence change replaces arginine, which is basic and polar, with cysteine, which is neutral and slightly polar, at codon 376 of the PNKD protein (p.Arg376Cys). This variant is present in population databases (rs200042352, gnomAD 0.009%). This variant has not been reported in the literature in individuals affected with PNKD-related conditions. ClinVar contains an entry for this variant (Variation ID: 536498). Invitae Evidence Modeling of protein sequence and biophysical properties (such as structural, functional, and spatial information, amino acid conservation, physicochemical variation, residue mobility, and thermodynamic stability) indicates that this missense variant is expected to disrupt PNKD protein function with a positive predictive value of 80%. In summary, the available evidence is currently insufficient to determine the role of this variant in disease. Therefore, it has been classified as a Variant of Uncertain Significance.

CeGaT Center for Human Genetics Tuebingen
Classification: Likely benign. Last evaluated: 2023-12-01. Review status: criteria provided, single submitter. Criteria: CeGaT Center For Human Genetics Tuebingen Variant Classification Criteria Version 2. Collection method: clinical testing. Allele origin: germline. Affected: yes. Observed: 1 variant allele.
Comment: PNKD: BS1

NM_015488.5(PNKD):c.1126C>T (p.Arg376Cys)

Genes: CATIP-AS2 (CATIP antisense RNA 2; minus strand), PNKD (PNKD metallo-beta-lactamase domain containing; plus strand). Cytogenetic location: 2q35.
Variant type: single nucleotide variant.
Coding change: c.1126C>T on transcript NM_015488.5 (MANE Select); coding-DNA position 1126, C replaced by T.
Protein change: p.Arg376Cys; replaces arginine 376 with cysteine.
Molecular consequence: missense variant.
Genome position (GRCh38, 1-based): chr2:218,344,949, C>T. VCF-style: chr2-218344949-C-T. GRCh37 (hg19) VCF-style: chr2-219209672-C-T.
Other names: c.1054C>T, p.Arg352Cys (NM_022572.5); short protein forms R376C, R352C.
Identifiers: ClinVar variation 536498 (VCV000536498.33), dbSNP rs200042352, ClinGen allele CA2104211.
Genomic context (GRCh38, chr2:218,344,949, plus strand): 5'-CCGGGGCCGGGCCCCACTGGGGATGATGACTACTCCCGGGCCCAGCTCCTGGAAGAGCTC[C>T]GCCGGCTGAAGGATATGCACAAGAGCAAGTGATGCCCCCAGCGCCCCCAGCCCAGCCCAC-3'
Protein context (NP_056303.3, residues 366-385): YSRAQLLEEL[Arg376Cys]RLKDMHKSK